The following is an entry in ClinVar:

NM_138295.5(PKD1L1):c.7590C>T (p.Phe2530=)

Genes: PKD1L1 (polycystin 1 like 1, transient receptor potential channel interacting; minus strand), PKD1L1-AS1 (PKD1L1 antisense RNA 1; plus strand). Cytogenetic location: 7p12.3.
Variant type: single nucleotide variant.
Coding change: c.7590C>T on transcript NM_138295.5 (MANE Select); coding-DNA position 7590, C replaced by T.
Protein change: p.Phe2530=; no amino-acid change (phenylalanine 2530 retained).
Molecular consequence: synonymous variant.
Genome position (GRCh38, 1-based): chr7:47,809,569, G>A on the plus strand (C>T on the coding strand, the complement: PKD1L1 is on the minus strand). VCF-style: chr7-47809569-G-A. GRCh37 (hg19) VCF-style: chr7-47849167-G-A.
Other names: c.7590C>T (NM_138295.3).
Identifiers: ClinVar variation 2899629 (VCV002899629.5), dbSNP rs151266957, ClinGen allele CA4251972.
Genomic context (GRCh38, chr7:47,809,569, plus strand): 5'-GACGCCCTTGTCCATCATACGGTAGAGTTGAACACAGAGGTGGATCAGGCTGAGTGCCAG[G>A]AAGACCAGCTGGTGGAGAGAATGTAAACAAACAAGATCAATAGGAATGCTGATAAATTGT-3'
Protein context (NP_612152.1, residues 2520-2540): QYHLMLPQLV[Phe2530=]LALSLIHLCV

ClinVar aggregate classification (germline): Likely benign. Review status: criteria provided, single submitter (1 of 4 stars). 2 submissions from 2 submitters: Likely benign (1). 1 of the submissions does not count toward it. Last evaluated 2025-10-01.

Conditions:
PKD1L1-related disorder. Also called: PKD1L1-related condition.

Allele frequency attached by ClinVar (database versions not stated): gnomAD 0.00034; ESP Exome Variant Server 0.00054; TOPMed 0.00033.
gnomAD v4.1: 84 of 1,586,178 alleles (0.0053%); highest among the groups gnomAD compares: African/African-American, 0.099%; no homozygotes.

Submissions (2):

Labcorp Genetics (formerly Invitae), Labcorp
Classification: Likely benign. Last evaluated: 2025-10-01. Review status: criteria provided, single submitter. Criteria: Invitae Variant Classification Sherloc (09022015). Collection method: clinical testing. Allele origin: germline.

PreventionGenetics, part of Exact Sciences
Classification: Likely benign for PKD1L1-related condition. Last evaluated: 2019-04-24. Review status: no assertion criteria provided. Collection method: clinical testing. Allele origin: germline. Not counted in ClinVar's aggregate classification.
Comment: This variant is classified as likely benign based on ACMG/AMP sequence variant interpretation guidelines (Richards et al. 2015 PMID: 25741868, with internal and published modifications).